The following is an entry in ClinVar:

NM_024675.4(PALB2):c.2077C>A (p.His693Asn)

Gene: PALB2 (partner and localizer of BRCA2; minus strand). Cytogenetic location: 16p12.2.
Variant type: single nucleotide variant.
Coding change: c.2077C>A on transcript NM_024675.4 (MANE Select); coding-DNA position 2077, C replaced by A.
Protein change: p.His693Asn; replaces histidine 693 with asparagine.
Molecular consequence: missense variant.
Genome position (GRCh38, 1-based): chr16:23,630,077, G>T on the plus strand (C>A on the coding strand, the complement: PALB2 is on the minus strand). VCF-style: chr16-23630077-G-T. GRCh37 (hg19) VCF-style: chr16-23641398-G-T.
Other names: short protein forms H693N.
Identifiers: ClinVar variation 820664 (VCV000820664.5), dbSNP rs150585579, ClinGen allele CA395126580.
Genomic context (GRCh38, chr16:23,630,077, plus strand): 5'-GCGCAACCGTATTTAAAGGAGTATAAAGTAATATGGATGAAGAAAGGCCCGTCTTTGTAT[G>T]CTGGCTTTGCGAGTTTGGCCTTTTGGGATGTGATTTTCCTGGTAGAACAATAAGGTCCTC-3'
Protein context (NP_078951.2, residues 683-703): HPKRPNSQSQ[His693Asn]TKTGLSSSIL

ClinVar aggregate classification (germline): Uncertain significance. Review status: criteria provided, multiple submitters, no conflicts (2 of 4 stars). 2 submissions from 2 submitters: Uncertain significance (2). Last evaluated 2025-02-21.

Conditions:
Hereditary cancer-predisposing syndrome. Also called: Neoplastic Syndromes, Hereditary; Tumor predisposition; Hereditary Cancer Syndrome; Hereditary neoplastic syndrome. Identifiers: Orphanet 140162, MedGen C0027672, MeSH D009386, MONDO:0015356.
Familial cancer of breast. Also called: BREAST CANCER, FAMILIAL; Hereditary breast cancer; hereditary breast carcinoma. Identifiers: Orphanet 227535, MedGen C0346153, MONDO:0016419, OMIM 114480. Disease mechanism: loss of function.

gnomAD v4.1: 4 of 1,614,170 alleles (0.00025%); highest among the groups gnomAD compares: Non-Finnish European, 0.00034%; no homozygotes.

Submissions (2):

Molecular Pathology, Peter Maccallum Cancer Centre
Classification: Uncertain significance for Familial cancer of breast. Last evaluated: 2025-02-21. Review status: criteria provided, single submitter. Criteria: ACMG Guidelines, 2015. Collection method: clinical testing. Allele origin: germline. Inheritance: Autosomal dominant inheritance.

Ambry Genetics
Classification: Uncertain significance for Hereditary cancer-predisposing syndrome. Last evaluated: 2018-04-03. Review status: criteria provided, single submitter. Criteria: Ambry Variant Classification Scheme 2023. Collection method: clinical testing. Allele origin: germline.
Comment: The p.H693N variant (also known as c.2077C>A), located in coding exon 5 of the PALB2 gene, results from a C to A substitution at nucleotide position 2077. The histidine at codon 693 is replaced by asparagine, an amino acid with similar properties. This amino acid position is poorly conserved in available vertebrate species. In addition, this alteration is predicted to be tolerated by in silico analysis. Since supporting evidence is limited at this time, the clinical significance of this alteration remains unclear.